The following is an entry in ClinVar:

ClinVar aggregate classification (germline): Uncertain significance. Review status: criteria provided, multiple submitters, no conflicts (2 of 4 stars). 2 submissions from 2 submitters: Uncertain significance (2). Last evaluated 2023-02-17.

Allele frequency attached by ClinVar (database versions not stated): gnomAD 0.00003; TOPMed 0.00005.
gnomAD v4.1: 69 of 1,610,996 alleles (0.0043%); highest among the groups gnomAD compares: Non-Finnish European, 0.0028%; no homozygotes.

Submissions (2):

Women's Health and Genetics/Laboratory Corporation of America, LabCorp
Classification: Uncertain significance. Last evaluated: 2023-02-17. Review status: criteria provided, single submitter. Criteria: LabCorp Variant Classification Summary - May 2015. Collection method: clinical testing. Allele origin: germline.
Comment: Variant summary: PROP1 c.550G>C (p.Ala184Pro) results in a non-conservative amino acid change in the encoded protein sequence. Three of four in-silico tools predict a benign effect of the variant on protein function. The variant allele was found at a frequency of 6.8e-05 in 249674 control chromosomes. This frequency is not significantly higher than estimated for a pathogenic variant in PROP1 causing Combined Pituitary Hormone Deficiency (6.8e-05 vs 0.0041), allowing no conclusion about variant significance. c.550G>C has been reported in the literature in individuals affected with Combined Pituitary Hormone Deficiency (Blum_2018) without strong evidence for causality. This report does not provide unequivocal conclusions about association of the variant with Combined Pituitary Hormone Deficiency. To our knowledge, no experimental evidence demonstrating an impact on protein function has been reported. One clinical diagnostic laboratory has submitted clinical-significance assessments for this variant to ClinVar after 2014 without evidence for independent evaluation. One laboratory classified the variant as uncertain significance. Based on the evidence outlined above, the variant was classified as uncertain significance.

Eurofins Ntd Llc (ga)
Classification: Uncertain significance. Last evaluated: 2016-03-29. Review status: criteria provided, single submitter. Criteria: EGL Classification Definitions 2015. Collection method: clinical testing. Allele origin: germline. Observed: 1 variant allele, 1 heterozygote.

Literature cited by the submitters: PubMed 30266296 (cited by Women's Health and Genetics/Laboratory Corporation of America, LabCorp).

NM_006261.5(PROP1):c.550G>C (p.Ala184Pro)

Gene: PROP1 (PROP paired-like homeobox 1; minus strand). Cytogenetic location: 5q35.3.
Variant type: single nucleotide variant.
Coding change: c.550G>C on transcript NM_006261.5 (MANE Select); coding-DNA position 550, G replaced by C.
Protein change: p.Ala184Pro; replaces alanine 184 with proline.
Molecular consequence: missense variant.
Genome position (GRCh38, 1-based): chr5:177,992,840, C>G on the plus strand (G>C on the coding strand, the complement: PROP1 is on the minus strand). VCF-style: chr5-177992840-C-G. GRCh37 (hg19) VCF-style: chr5-177419841-C-G.
Other names: c.550G>C (NM_006261.4); short protein forms A184P.
Identifiers: ClinVar variation 287105 (VCV000287105.6), dbSNP rs746409513, ClinGen allele CA3587503.